The following is an entry in ClinVar:

NM_001329943.3(KIAA0586):c.3407T>C (p.Ile1136Thr)

Gene: KIAA0586 (KIAA0586; plus strand). Cytogenetic location: 14q23.1.
Variant type: single nucleotide variant.
Coding change: c.3407T>C on transcript NM_001329943.3 (MANE Select); coding-DNA position 3407, T replaced by C.
Protein change: p.Ile1136Thr; replaces isoleucine 1136 with threonine.
Molecular consequence: missense variant.
Genome position (GRCh38, 1-based): chr14:58,487,989, T>C. VCF-style: chr14-58487989-T-C. GRCh37 (hg19) VCF-style: chr14-58954707-T-C.
Other names: c.3566T>C, p.Ile1189Thr (NM_001244189.2); c.3362T>C, p.Ile1121Thr (NM_001244190.2); c.3152T>C, p.Ile1051Thr (NM_001244191.2, NM_001329945.2, NM_001364700.1 and 1 more transcripts); c.3275T>C, p.Ile1092Thr (NM_001244192.2); c.2987T>C, p.Ile996Thr (NM_001244193.2); c.3407T>C, p.Ile1136Thr (NM_001329944.2, NM_001329946.2, NM_001329947.2); c.3179T>C, p.Ile1060Thr (NM_014749.5); c.3179T>C (NM_014749.3); short protein forms I1051T, I1060T, I1092T, I1121T, I1136T, I1189T, I996T.
Identifiers: ClinVar variation 1254628 (VCV001254628.9), dbSNP rs200148591, ClinGen allele CA7206151.
Genomic context (GRCh38, chr14:58,487,989, plus strand): 5'-TTACCCCTACTACTACACCTCCTCCAGCGGCGGCAGTTTTTACCCCAACTTTGTCAGATA[T>C]TTCCATTGATAAATTGAAGGTATCAAGCCCAGAGCTTCCCAAGCCATGGGGTGATGGAGA-3'
Protein context (NP_001316872.1, residues 1126-1146): AAVFTPTLSD[Ile1136Thr]SIDKLKVSSP

ClinVar aggregate classification (germline): Uncertain significance. Review status: criteria provided, multiple submitters, no conflicts (2 of 4 stars). 3 submissions from 3 submitters: Uncertain significance (3). Last evaluated 2024-04-20.

Conditions:
Inborn genetic diseases. Identifiers: MedGen C0950123, MeSH D030342.
Joubert syndrome 23 (JBTS23). Identifiers: Orphanet 475, MedGen C4084822, MONDO:0014664, OMIM 616490.
Short-rib thoracic dysplasia 14 with polydactyly (SRTD14). Identifiers: Orphanet 397715, MedGen C4225286, MONDO:0014688, OMIM 616546.

Allele frequency attached by ClinVar (database versions not stated): gnomAD exomes 0.00001 and 0.00008; ExAC 0.00013; TOPMed 0.00026; gnomAD 0.00027 and 0.00029; ESP Exome Variant Server 0.00042.
gnomAD v4.1: 63 of 1,613,188 alleles (0.0039%); highest among the groups gnomAD compares: African/African-American, 0.073%; no homozygotes.

Submissions (3):

Ambry Genetics
Classification: Uncertain significance for Inborn genetic diseases. Last evaluated: 2024-04-20. Review status: criteria provided, single submitter. Criteria: Ambry Variant Classification Scheme 2023. Collection method: clinical testing. Allele origin: germline.

GeneDx
Classification: Uncertain significance. Last evaluated: 2022-10-13. Review status: criteria provided, single submitter. Criteria: GeneDx Variant Classification Process June 2021. Collection method: clinical testing. Allele origin: germline. Affected: yes.
Comment: In silico analysis supports that this missense variant does not alter protein structure/function; Has not been previously published as pathogenic or benign to our knowledge

Labcorp Genetics (formerly Invitae), Labcorp
Classification: Uncertain significance for Joubert syndrome 23; Short-rib thoracic dysplasia 14 with polydactyly. Last evaluated: 2022-07-12. Review status: criteria provided, single submitter. Criteria: Invitae Variant Classification Sherloc (09022015). Collection method: clinical testing. Allele origin: germline.
Comment: This sequence change replaces isoleucine, which is neutral and non-polar, with threonine, which is neutral and polar, at codon 1189 of the KIAA0586 protein (p.Ile1189Thr). This variant is present in population databases (rs200148591, gnomAD 0.1%). This variant has not been reported in the literature in individuals affected with KIAA0586-related conditions. ClinVar contains an entry for this variant (Variation ID: 1254628). Algorithms developed to predict the effect of missense changes on protein structure and function output the following: SIFT: "Tolerated"; PolyPhen-2: "Benign"; Align-GVGD: "Class C0". The threonine amino acid residue is found in multiple mammalian species, which suggests that this missense change does not adversely affect protein function. In summary, the available evidence is currently insufficient to determine the role of this variant in disease. Therefore, it has been classified as a Variant of Uncertain Significance.